The following is an entry in ClinVar:

NM_000135.4(FANCA):c.19C>G (p.Pro7Ala)

Genes: FANCA (FA complementation group A; minus strand), LOC112486223 (Sharpr-MPRA regulatory region 3988; plus strand). Cytogenetic location: 16q24.3.
Variant type: single nucleotide variant.
Coding change: c.19C>G on transcript NM_000135.4 (MANE Select); coding-DNA position 19, C replaced by G.
Protein change: p.Pro7Ala; replaces proline 7 with alanine.
Molecular consequence: missense variant.
Genome position (GRCh38, 1-based): chr16:89,816,597, G>C on the plus strand (C>G on the coding strand, the complement: FANCA is on the minus strand). VCF-style: chr16-89816597-G-C. GRCh37 (hg19) VCF-style: chr16-89883005-G-C.
Other names: c.19C>G, p.Pro7Ala (NM_001018112.3, NM_001286167.3, NM_001351830.2); c.19C>G (NM_000135.2); short protein forms P7A.
Identifiers: ClinVar variation 1053832 (VCV001053832.10), dbSNP rs780667753, ClinGen allele CA286612836.

ClinVar aggregate classification (germline): Uncertain significance. Review status: criteria provided, multiple submitters, no conflicts (2 of 4 stars). 3 submissions from 3 submitters: Uncertain significance (2). 1 of the submissions does not count toward it. Last evaluated 2024-12-07.

Conditions:
Inborn genetic diseases. Identifiers: MedGen C0950123, MeSH D030342.
Fanconi anemia (FA). Also called: Fanconi's anemia. Identifiers: Orphanet 84, MedGen C0015625, MeSH D005199, MONDO:0019391.

Submissions (3):

Ambry Genetics
Classification: Uncertain significance for Inborn genetic diseases. Last evaluated: 2024-12-07. Review status: criteria provided, single submitter. Criteria: Ambry Variant Classification Scheme 2023. Collection method: clinical testing. Allele origin: germline.
Comment: The p.P7A variant (also known as c.19C>G), located in coding exon 1 of the FANCA gene, results from a C to G substitution at nucleotide position 19. The proline at codon 7 is replaced by alanine, an amino acid with highly similar properties. This amino acid position is conserved. In addition, this alteration is predicted to be tolerated by in silico analysis. Based on the available evidence, the clinical significance of this variant remains unclear.

Labcorp Genetics (formerly Invitae), Labcorp
Classification: Uncertain significance for Fanconi anemia. Last evaluated: 2022-10-17. Review status: criteria provided, single submitter. Criteria: Invitae Variant Classification Sherloc (09022015). Collection method: clinical testing. Allele origin: germline.
Comment: This sequence change replaces proline, which is neutral and non-polar, with alanine, which is neutral and non-polar, at codon 7 of the FANCA protein (p.Pro7Ala). This variant is not present in population databases (gnomAD no frequency). This variant has not been reported in the literature in individuals affected with FANCA-related conditions. ClinVar contains an entry for this variant (Variation ID: 1053832). Advanced modeling of protein sequence and biophysical properties (such as structural, functional, and spatial information, amino acid conservation, physicochemical variation, residue mobility, and thermodynamic stability) performed at Invitae indicates that this missense variant is not expected to disrupt FANCA protein function. In summary, the available evidence is currently insufficient to determine the role of this variant in disease. Therefore, it has been classified as a Variant of Uncertain Significance.

Natera, Inc.
Classification: Uncertain significance for Fanconi anemia. Last evaluated: 2020-10-29. Review status: no assertion criteria provided. Collection method: clinical testing. Allele origin: germline. Not counted in ClinVar's aggregate classification.